The following is an entry in ClinVar:

NM_001692.4(ATP6V1B1):c.943C>T (p.Arg315Ter)

Gene: ATP6V1B1 (ATPase H+ transporting V1 subunit B1; plus strand). Cytogenetic location: 2p13.3.
Variant type: single nucleotide variant.
Coding change: c.943C>T on transcript NM_001692.4 (MANE Select); coding-DNA position 943, C replaced by T.
Protein change: p.Arg315Ter; replaces arginine 315 with a stop codon.
Molecular consequence: nonsense.
Genome position (GRCh38, 1-based): chr2:70,963,195, C>T. VCF-style: chr2-70963195-C-T. GRCh37 (hg19) VCF-style: chr2-71190325-C-T.
Other names: short protein forms R315*.
Identifiers: ClinVar variation 554499 (VCV000554499.12), dbSNP rs145536062, ClinGen allele CA1701209.

ClinVar aggregate classification (germline): Pathogenic/Likely pathogenic. Review status: criteria provided, multiple submitters, no conflicts (2 of 4 stars). 5 submissions from 5 submitters: Pathogenic (3); Likely pathogenic (1). 1 of the submissions does not count toward it. Last evaluated 2025-12-30.

Conditions:
Renal tubular acidosis with progressive nerve deafness. Also called: Distal Renal Tubular Acidosis with Progressive Sensorineural Deafness; renal tubular acidosis, distal, 2, with progressive sensorineural hearing loss; RENAL TUBULAR ACIDOSIS, AUTOSOMAL RECESSIVE, WITH PROGRESSIVE NERVE DEAFNESS; RTA WITH PROGRESSIVE NERVE DEAFNESS. Identifiers: MedGen C0403554, MONDO:0009968, OMIM 267300.

Allele frequency attached by ClinVar (database versions not stated): gnomAD exomes 0.00001 and 0.00002; ExAC 0.00002; TOPMed 0.00002; gnomAD 0.00004; ESP Exome Variant Server 0.00008.
gnomAD v4.1: 16 of 1,613,968 alleles (0.00099%); highest among the groups gnomAD compares: African/African-American, 0.012%; no homozygotes.

Submissions (5):

Natera, Inc.
Classification: Pathogenic for Renal tubular acidosis with progressive nerve deafness. Last evaluated: 2025-12-30. Review status: criteria provided, single submitter. Criteria: Natera Variant Classification Schema (03/2026). Collection method: clinical testing. Allele origin: germline.
Comment: The c.943C>T variant in ATP6V1B1 is a nonsense variant predicted to introduce a stop codon at amino acid 315. This variant is expected to result in nonsense mediated decay, truncation, or a dysfunctional protein product. This variant is rare in the general population with a frequency below the threshold expected for the associated phenotype(s). This variant has been observed in one or more individuals affected with the associated recessive disease, as either homozygous or compound heterozygous with a second variant (PMID: 31672324). Given the available evidence, this variant is classified as Pathogenic.

Labcorp Genetics (formerly Invitae), Labcorp
Classification: Pathogenic. Last evaluated: 2023-07-26. Review status: criteria provided, single submitter. Criteria: Invitae Variant Classification Sherloc (09022015). Collection method: clinical testing. Allele origin: germline.
Comment: For these reasons, this variant has been classified as Pathogenic. Algorithms developed to predict the effect of sequence changes on RNA splicing suggest that this variant may disrupt the consensus splice site. ClinVar contains an entry for this variant (Variation ID: 554499). This premature translational stop signal has been observed in individual(s) with distal renal tubular acidosis (PMID: 28233610). This variant is present in population databases (rs145536062, gnomAD 0.01%). This sequence change creates a premature translational stop signal (p.Arg315*) in the ATP6V1B1 gene. It is expected to result in an absent or disrupted protein product. Loss-of-function variants in ATP6V1B1 are known to be pathogenic (PMID: 9916796, 18368028).

Fulgent Genetics
Classification: Pathogenic for Renal tubular acidosis with progressive nerve deafness. Last evaluated: 2018-10-31. Review status: criteria provided, single submitter. Criteria: ACMG Guidelines, 2015. Collection method: clinical testing. Allele origin: unknown.

GeneDx
Classification: Likely pathogenic. Last evaluated: 2018-08-21. Review status: criteria provided, single submitter. Criteria: GeneDx Variant Classification (06012015). Collection method: clinical testing. Allele origin: germline. Affected: yes.
Comment: The R315X variant in the ATP6V1B1 gene has been reported previously in association with distal renal tubular acidosis, in an affected individual who was heterozygous for the R315X variant and another ATP6V1B1 variant, however parental studies were not performed to determine the phase of these two variants (Palazzo et al., 2017). This variant is predicted to cause loss of normal protein function either through protein truncation or nonsense-mediated mRNA decay. The R315X variant is observed in 5/277140 (0.002%) alleles in large population cohorts (Lek et al., 2016). We interpret R315X as a likely pathogenic variant.

Counsyl
Classification: Likely pathogenic for Renal tubular acidosis with progressive nerve deafness. Last evaluated: 2017-10-24. Review status: no assertion criteria provided. Collection method: clinical testing. Allele origin: unknown. Not counted in ClinVar's aggregate classification.

Literature cited by the submitters: PubMed 31672324 (cited by Natera, Inc.); PubMed 28233610 (cited by Labcorp Genetics (formerly Invitae), Labcorp and Counsyl); PubMed 9916796 (cited by Labcorp Genetics (formerly Invitae), Labcorp); PubMed 18368028 (cited by Labcorp Genetics (formerly Invitae), Labcorp).